The following is an entry in ClinVar:

ClinVar aggregate classification (germline): Uncertain significance. Review status: criteria provided, multiple submitters, no conflicts (2 of 4 stars). 3 submissions from 3 submitters: Uncertain significance (3). Last evaluated 2025-11-19.

Conditions:
Hereditary breast ovarian cancer syndrome. Also called: Hereditary breast and ovarian cancer syndrome (HBOC); BRCA1- and BRCA2-Associated Hereditary Breast and Ovarian Cancer; Hereditary breast and/or ovarian cancer syndrome; Hereditary breast and ovarian cancer syndrome; Hereditary breast and ovarian cancer; Breast and ovarian cancer. Identifiers: Orphanet 145, MedGen C0677776, MeSH D061325, MONDO:0003582. Disease mechanism: loss of function.
Hereditary cancer-predisposing syndrome. Also called: Neoplastic Syndromes, Hereditary; Hereditary neoplastic syndrome; Tumor predisposition; Hereditary Cancer Syndrome. Identifiers: Orphanet 140162, MedGen C0027672, MeSH D009386, MONDO:0015356.
Fanconi anemia, complementation group S (FANCS). Identifiers: MedGen C4554406, MONDO:0054748, OMIM 617883.
Breast-ovarian cancer, familial, susceptibility to, 1 (BROVCA1). Also called: BRCA1 Hereditary Breast and Ovarian Cancer; OVARIAN CANCER, SUSCEPTIBILITY TO. Identifiers: Orphanet 145, MedGen C2676676, MONDO:0011450, OMIM 604370. Disease mechanism: loss of function.
Pancreatic cancer, susceptibility to, 4. Identifiers: Orphanet 1333, MedGen C3280442, MONDO:0013685, OMIM 614320.

Allele frequency attached by ClinVar (database versions not stated): TOPMed 0.00001.

Submissions (3):

Labcorp Genetics (formerly Invitae), Labcorp
Classification: Uncertain significance for Hereditary breast ovarian cancer syndrome. Last evaluated: 2025-11-19. Review status: criteria provided, single submitter. Criteria: Invitae Variant Classification Sherloc (09022015). Collection method: clinical testing. Allele origin: germline.
Comment: This sequence change replaces proline, which is neutral and non-polar, with threonine, which is neutral and polar, at codon 1491 of the BRCA1 protein (p.Pro1491Thr). This variant is not present in population databases (gnomAD no frequency). This variant has not been reported in the literature in individuals affected with BRCA1-related conditions. ClinVar contains an entry for this variant (Variation ID: 441439). Invitae Evidence Modeling of protein sequence and biophysical properties (such as structural, functional, and spatial information, amino acid conservation, physicochemical variation, residue mobility, and thermodynamic stability) indicates that this missense variant is not expected to disrupt BRCA1 protein function with a negative predictive value of 95%. In summary, the available evidence is currently insufficient to determine the role of this variant in disease. Therefore, it has been classified as a Variant of Uncertain Significance.

Ambry Genetics
Classification: Uncertain significance for Hereditary cancer-predisposing syndrome. Last evaluated: 2024-03-18. Review status: criteria provided, single submitter. Criteria: Ambry Variant Classification Scheme 2023. Collection method: clinical testing. Allele origin: germline.
Comment: The p.P1491T variant (also known as c.4471C>A), located in coding exon 12 of the BRCA1 gene, results from a C to A substitution at nucleotide position 4471. The proline at codon 1491 is replaced by threonine, an amino acid with highly similar properties. An alteration at the same amino acid (p.P1491T) was identified in a cohort of 10 male breast cancer patients (Miolo G et al. BMC Cancer, 2006 Jun;6:156). This amino acid position is not well conserved in available vertebrate species. In addition, the in silico prediction for this alteration is inconclusive. Since supporting evidence is limited at this time, the clinical significance of this alteration remains unclear.

Fulgent Genetics
Classification: Uncertain significance for Breast-ovarian cancer, familial, susceptibility to, 1; Pancreatic cancer, susceptibility to, 4; Fanconi anemia, complementation group S. Last evaluated: 2024-01-26. Review status: criteria provided, single submitter. Criteria: ACMG Guidelines, 2015. Collection method: clinical testing. Allele origin: germline.

Literature cited by the submitters: PubMed 16764716 (cited by Ambry Genetics).

NM_007294.4(BRCA1):c.4471C>A (p.Pro1491Thr)

Gene: BRCA1 (BRCA1 DNA repair associated; minus strand). Cytogenetic location: 17q21.31.
Variant type: single nucleotide variant.
Coding change: c.4471C>A on transcript NM_007294.4 (MANE Select); coding-DNA position 4471, C replaced by A.
Protein change: p.Pro1491Thr; replaces proline 1491 with threonine.
Molecular consequence: missense variant. On other transcripts: non-coding transcript variant (1).
Genome position (GRCh38, 1-based): chr17:43,076,501, G>T on the plus strand (C>A on the coding strand, the complement: BRCA1 is on the minus strand). VCF-style: chr17-43076501-G-T. GRCh37 (hg19) VCF-style: chr17-41228518-G-T.
Other names: c.4258C>A, p.Pro1420Thr (NM_001407571.1, NM_001407894.1, NM_001407895.1 and 12 more transcripts); c.4537C>A, p.Pro1513Thr (NM_001407581.1, NM_001407582.1); c.4534C>A, p.Pro1512Thr (NM_001407583.1, NM_001407585.1, NM_001407587.1 and 1 more transcripts); c.4531C>A, p.Pro1511Thr (NM_001407590.1, NM_001407591.1); c.4471C>A, p.Pro1491Thr (NM_001407593.1, NM_001407594.1, NM_001407596.1 and 8 more transcripts); c.4468C>A, p.Pro1490Thr (NM_001407610.1, NM_001407621.1, NM_001407622.1 and 17 more transcripts); c.4465C>A, p.Pro1489Thr (NM_001407627.1, NM_001407628.1, NM_001407629.1 and 14 more transcripts); c.4462C>A, p.Pro1488Thr (NM_001407644.1, NM_001407645.1); and 68 more; short protein forms P1491T, P1444T, P1512T, P387T, P1322T, P1378T, P1401T, P1449T.
Identifiers: ClinVar variation 441439 (VCV000441439.16), dbSNP rs111034213, ClinGen allele CA10592589.